The following is an entry in ClinVar:

ClinVar aggregate classification (germline): Pathogenic (1 of 4 stars; one submission).

Conditions:
Breast-ovarian cancer, familial, susceptibility to, 1 (BROVCA1). Also called: BRCA1 Hereditary Breast and Ovarian Cancer; OVARIAN CANCER, SUSCEPTIBILITY TO. Identifiers: Orphanet 145, MedGen C2676676, MONDO:0011450, OMIM 604370. Disease mechanism: loss of function.

Submission:

Myriad Genetics, Inc.
Classification: Pathogenic for Breast-ovarian cancer, familial, susceptibility to, 1. Last evaluated: 2024-03-07. Review status: criteria provided, single submitter. Criteria: Myriad Autosomal Dominant, Autosomal Recessive and X-Linked Classification Criteria (2023). Collection method: clinical testing. Allele origin: unknown.
Comment: This variant is considered pathogenic. This variant creates a termination codon and is predicted to result in premature protein truncation.

NM_007294.4(BRCA1):c.2080_2082delinsT (p.Asp693_Ser694insTer)

Gene: BRCA1 (BRCA1 DNA repair associated; minus strand). Cytogenetic location: 17q21.31.
Variant type: Indel.
Coding change: c.2080_2082delinsT on transcript NM_007294.4 (MANE Select); coding-DNA positions 2080 to 2082, AGC replaced by T.
Protein change: p.Asp693_Ser694insTer.
Molecular consequence: nonsense. On other transcripts: intron variant (137).
Genome position (GRCh38, 1-based): chr17:43,093,449-43,093,451, GCT replaced by A on the plus strand (AGC replaced by T on the coding strand, the reverse complement: BRCA1 is on the minus strand). VCF-style: chr17-43093449-GCT-A. GRCh37 (hg19) VCF-style: chr17-41245466-GCT-A.
Other names: c.664+1293_664+1295delinsT (NM_001408429.1, NM_001408442.1, NM_001408426.1 and 12 more transcripts); c.787+1293_787+1295delinsT (NM_001407979.1, NM_001407977.1, NM_001407982.1 and 19 more transcripts); c.646+1293_646+1295delinsT (NM_001408410.1, NM_001408458.1, NM_001408469.1 and 11 more transcripts); c.709+1293_709+1295delinsT (NM_001408415.1, NM_001408412.1, NM_001408409.1 and 2 more transcripts); c.577+1293_577+1295delinsT (NM_001408483.1, NM_001408481.1, NM_001408480.1 and 9 more transcripts); c.1813_1815delinsT, p.Asp604_Ser605insTer (NM_001407930.1, NM_001407931.1, NM_001407932.1 and 2 more transcripts); c.1816_1818delinsT, p.Asp605_Ser606insTer (NM_001407933.1, NM_001407935.1, NM_001407920.1 and 9 more transcripts); c.1957_1959delinsT, p.Asp652_Ser653insTer (NM_001407937.1, NM_001407938.1, NM_001407939.1 and 19 more transcripts); and 40 more.
Identifiers: ClinVar variation 3148722 (VCV003148722.1), dbSNP rs2552193952, ClinGen allele CA2825002540.